The following is an entry in ClinVar:

ClinVar aggregate classification (germline): Benign (1 of 4 stars; one submission).

Allele frequency attached by ClinVar (database versions not stated): gnomAD 0.08661 and 0.09150; TOPMed 0.09591; 1000 Genomes Project 0.09764; 1000 Genomes Project 30x 0.10166.
gnomAD v4.1: 13,075 of 152,204 alleles (8.6%); highest among the groups gnomAD compares: African/African-American, 25%; 1,345 homozygotes.

Submission:

GeneDx
Classification: Benign. Last evaluated: 2018-06-14. Review status: criteria provided, single submitter. Criteria: GeneDx Variant Classification (06012015). Collection method: clinical testing. Allele origin: germline. Affected: yes.
Comment: This variant is considered likely benign or benign based on one or more of the following criteria: it is a conservative change, it occurs at a poorly conserved position in the protein, it is predicted to be benign by multiple in silico algorithms, and/or has population frequency not consistent with disease.

NM_001148.6(ANK2):c.3797-213A>G

Gene: ANK2 (ankyrin 2; plus strand). Cytogenetic location: 4q26.
Variant type: single nucleotide variant.
Coding change: c.3797-213A>G on transcript NM_001148.6 (MANE Select); 213 bases into the intron before coding-DNA position 3797, A replaced by G.
Molecular consequence: intron variant.
Genome position (GRCh38, 1-based): chr4:113,339,013, A>G. VCF-style: chr4-113339013-A-G. GRCh37 (hg19) VCF-style: chr4-114260169-A-G.
Other names: c.3782-213A>G (NM_001386186.2, NM_001386148.2); c.3584-213A>G (NM_001354269.3); c.3662-213A>G (NM_001386187.2); c.3656-213A>G (NM_001386147.1, NM_001354261.2); c.3641-213A>G (NM_001386160.1); c.3746-213A>G (NM_001354254.2); c.3767-213A>G (NM_001354239.2, NM_001354252.2); c.3668-213A>G (NM_001354272.2); and 31 more.
Identifiers: ClinVar variation 674325 (VCV000674325.1), dbSNP rs10031463, ClinGen allele CA103802849.